The following is an entry in ClinVar:

NM_001191061.2(SLC25A22):c.507G>A (p.Thr169=)

Gene: SLC25A22 (solute carrier family 25 member 22; minus strand). Cytogenetic location: 11p15.5.
Variant type: single nucleotide variant.
Coding change: c.507G>A on transcript NM_001191061.2 (MANE Select); coding-DNA position 507, G replaced by A.
Protein change: p.Thr169=; no amino-acid change (threonine 169 retained).
Molecular consequence: synonymous variant.
Genome position (GRCh38, 1-based): chr11:792,633, C>T on the plus strand (G>A on the coding strand, the complement: SLC25A22 is on the minus strand). VCF-style: chr11-792633-C-T. GRCh37 (hg19) VCF-style: chr11-792633-C-T.
Other names: c.507G>A, p.Thr169= (NM_001191060.2, NM_024698.6).
Identifiers: ClinVar variation 1053810 (VCV001053810.7), dbSNP rs540297776, ClinGen allele CA216993665.
Genomic context (GRCh38, chr11:792,633, plus strand): 5'-TCCCTTGTAGAGACCGGCAATGCCACGGCTCCGCAGCAGGTCGCGGGTCAGCTGGGTGGC[C>T]GTGGGCCGAGGGGCAGCTGGAGCCTCCACTGAGGGCTGGGCACCCCCCTGGGCCGAGAGC-3'
Protein context (NP_001177990.1, residues 159-179): SVEAPAAPRP[Thr169=]ATQLTRDLLR

ClinVar aggregate classification (germline): Uncertain significance (1 of 4 stars; one submission).

Conditions:
Developmental and epileptic encephalopathy. Identifiers: MedGen C5779964, MONDO:0100620.

Allele frequency attached by ClinVar (database versions not stated): gnomAD exomes 0.00001 and 0.00002.
gnomAD v4.1: 5 of 1,594,394 alleles (0.00031%); highest among the groups gnomAD compares: Admixed American, 0.0035%; no homozygotes.

Submission:

Labcorp Genetics (formerly Invitae), Labcorp
Classification: Uncertain significance for Early-infantile DEE. Last evaluated: 2022-02-05. Review status: criteria provided, single submitter. Criteria: Invitae Variant Classification Sherloc (09022015). Collection method: clinical testing. Allele origin: germline.
Comment: This sequence change affects codon 169 of the SLC25A22 mRNA. It is a 'silent' change, meaning that it does not change the encoded amino acid sequence of the SLC25A22 protein. This variant is present in population databases (rs540297776, gnomAD 0.007%). This variant has not been reported in the literature in individuals affected with SLC25A22-related conditions. ClinVar contains an entry for this variant (Variation ID: 1053810). Algorithms developed to predict the effect of sequence changes on RNA splicing suggest that this variant may create or strengthen a splice site. In summary, the available evidence is currently insufficient to determine the role of this variant in disease. Therefore, it has been classified as a Variant of Uncertain Significance.